The following is an entry in ClinVar:

ClinVar aggregate classification (germline): Uncertain significance (0 of 4 stars; one submission).

Conditions:
CREBBP-related disorder. Also called: CREBBP-related condition; CREBBP-related disorders.

Submission:

PreventionGenetics, part of Exact Sciences
Classification: Uncertain significance for CREBBP-related condition. Last evaluated: 2024-04-18. Review status: no assertion criteria provided. Collection method: clinical testing. Allele origin: germline.
Comment: The CREBBP c.4515G>C variant is predicted to result in the amino acid substitution p.Lys1505Asn. To our knowledge, this variant has not been reported in the literature or in a large population database, indicating this variant is rare. At this time, the clinical significance of this variant is uncertain due to the absence of conclusive functional and genetic evidence.

NM_004380.3(CREBBP):c.4515G>C (p.Lys1505Asn)

Gene: CREBBP (CREB binding lysine acetyltransferase; minus strand). Cytogenetic location: 16p13.3.
Variant type: single nucleotide variant.
Coding change: c.4515G>C on transcript NM_004380.3 (MANE Select); coding-DNA position 4515, G replaced by C.
Protein change: p.Lys1505Asn; replaces lysine 1505 with asparagine.
Molecular consequence: missense variant.
Genome position (GRCh38, 1-based): chr16:3,736,695, C>G on the plus strand (G>C on the coding strand, the complement: CREBBP is on the minus strand). VCF-style: chr16-3736695-C-G. GRCh37 (hg19) VCF-style: chr16-3786696-C-G.
Other names: c.4401G>C, p.Lys1467Asn (NM_001079846.1); short protein forms K1467N, K1505N.
Identifiers: ClinVar variation 3347640 (VCV003347640.1).
Genomic context (GRCh38, chr16:3,736,695, plus strand): 5'-TTCAGCGCCGGGTACCTTGTAGTCATGGATGATCCGCTCTGCAAACGCCTTGTCCAGCAT[C>G]TTTTTGTACCACTCCTGCAGTCGTTTTGGCTTGGGTATTTTTTGATCAGGTGGGTGGCAA-3'
Protein context (NP_004371.2, residues 1495-1515): KPKRLQEWYK[Lys1505Asn]MLDKAFAERI